The following is an entry in ClinVar:

NM_144999.4(LRRC45):c.1425G>A (p.Ala475=)

Gene: LRRC45 (leucine rich repeat containing 45; plus strand). Cytogenetic location: 17q25.3.
Variant type: single nucleotide variant.
Coding change: c.1425G>A on transcript NM_144999.4 (MANE Select); coding-DNA position 1425, G replaced by A.
Protein change: p.Ala475=; no amino-acid change (alanine 475 retained).
Molecular consequence: synonymous variant.
Genome position (GRCh38, 1-based): chr17:82,029,566, G>A. VCF-style: chr17-82029566-G-A. GRCh37 (hg19) VCF-style: chr17-79987442-G-A.
Identifiers: ClinVar variation 3352485 (VCV003352485.1).
Genomic context (GRCh38, chr17:82,029,566, plus strand): 5'-GACAGGAGAACGGGCTGGCAGGTGGCCATCTGTGCAGGAGCTGAGCCGAGTGAAAGCAGC[G>A]GCACTCAGCGAGCGTGGCCAGGCTGAGGAGGAGCTGATCAAGGCCAAGAGCCAGGCCCGC-3'
Protein context (NP_659436.1, residues 465-485): LEEELSRVKA[Ala475=]ALSERGQAEE

ClinVar aggregate classification (germline): Likely benign (0 of 4 stars; one submission).

Conditions:
LRRC45-related disorder. Also called: LRRC45-related condition.

gnomAD v4.1: 99 of 1,577,106 alleles (0.0063%); highest among the groups gnomAD compares: Admixed American, 0.087%; 1 homozygote.

Submission:

PreventionGenetics, part of Exact Sciences
Classification: Likely benign for LRRC45-related condition. Last evaluated: 2024-07-16. Review status: no assertion criteria provided. Collection method: clinical testing. Allele origin: germline.
Comment: This variant is classified as likely benign based on ACMG/AMP sequence variant interpretation guidelines (Richards et al. 2015 PMID: 25741868, with internal and published modifications).